The following is an entry in ClinVar:

NM_015425.6(POLR1A):c.3166G>A (p.Val1056Ile)

Gene: POLR1A (RNA polymerase I subunit A; minus strand). Cytogenetic location: 2p11.2.
Variant type: single nucleotide variant.
Coding change: c.3166G>A on transcript NM_015425.6 (MANE Select); coding-DNA position 3166, G replaced by A.
Protein change: p.Val1056Ile; replaces valine 1056 with isoleucine.
Molecular consequence: missense variant.
Genome position (GRCh38, 1-based): chr2:86,043,165, C>T on the plus strand (G>A on the coding strand, the complement: POLR1A is on the minus strand). VCF-style: chr2-86043165-C-T. GRCh37 (hg19) VCF-style: chr2-86270288-C-T.
Other names: short protein forms V1056I.
Identifiers: ClinVar variation 3629319 (VCV003629319.2).
Genomic context (GRCh38, chr2:86,043,165, plus strand): 5'-GCCATTTTTTGATAGCTCTGAAGTGGTGGAGAGCTTTTTTGGGATCTGCTCTGGATAAAA[C>T]TTCATGGAGATGCTGTGATTTCATTATCACCTAAACAAACAAACAAAAAAACAAACAAAC-3'
Protein context (NP_056240.2, residues 1046-1066): VIMKSQHLHE[Val1056Ile]LSRADPKKAL

ClinVar aggregate classification (germline): Uncertain significance (1 of 4 stars; one submission).

gnomAD v4.1: 1 of 1,613,762 alleles (0.000062%); no homozygotes.

Submission:

Labcorp Genetics (formerly Invitae), Labcorp
Classification: Uncertain significance. Last evaluated: 2025-08-25. Review status: criteria provided, single submitter. Criteria: Invitae Variant Classification Sherloc (09022015). Collection method: clinical testing. Allele origin: germline.
Comment: This sequence change replaces valine, which is neutral and non-polar, with isoleucine, which is neutral and non-polar, at codon 1056 of the POLR1A protein (p.Val1056Ile). This variant is not present in population databases (gnomAD no frequency). This variant has not been reported in the literature in individuals affected with POLR1A-related conditions. ClinVar contains an entry for this variant (Variation ID: 3629319). Invitae Evidence Modeling of protein sequence and biophysical properties (such as structural, functional, and spatial information, amino acid conservation, physicochemical variation, residue mobility, and thermodynamic stability) indicates that this missense variant is not expected to disrupt POLR1A protein function with a negative predictive value of 80%. In summary, the available evidence is currently insufficient to determine the role of this variant in disease. Therefore, it has been classified as a Variant of Uncertain Significance.